The following is an entry in ClinVar:

ClinVar aggregate classification (germline): Uncertain significance (1 of 4 stars; one submission).

gnomAD v4.1: 1 of 1,614,112 alleles (0.000062%); highest among the groups gnomAD compares: South Asian, 0.0011%; no homozygotes.

Submission:

Labcorp Genetics (formerly Invitae), Labcorp
Classification: Uncertain significance. Last evaluated: 2025-06-27. Review status: criteria provided, single submitter. Criteria: Invitae Variant Classification Sherloc (09022015). Collection method: clinical testing. Allele origin: germline.
Comment: This sequence change replaces alanine, which is neutral and non-polar, with threonine, which is neutral and polar, at codon 3589 of the KMT2A protein (p.Ala3589Thr). This variant is present in population databases (no rsID available, gnomAD 0.003%). This variant has not been reported in the literature in individuals affected with KMT2A-related conditions. Invitae Evidence Modeling of protein sequence and biophysical properties (such as structural, functional, and spatial information, amino acid conservation, physicochemical variation, residue mobility, and thermodynamic stability) indicates that this missense variant is not expected to disrupt KMT2A protein function with a negative predictive value of 95%. In summary, the available evidence is currently insufficient to determine the role of this variant in disease. Therefore, it has been classified as a Variant of Uncertain Significance.

NM_001197104.2(KMT2A):c.10765G>A (p.Ala3589Thr)

Gene: KMT2A (lysine methyltransferase 2A; plus strand). Cytogenetic location: 11q23.3.
Variant type: single nucleotide variant.
Coding change: c.10765G>A on transcript NM_001197104.2 (MANE Select); coding-DNA position 10765, G replaced by A.
Protein change: p.Ala3589Thr; replaces alanine 3589 with threonine.
Molecular consequence: missense variant.
Genome position (GRCh38, 1-based): chr11:118,507,539, G>A. VCF-style: chr11-118507539-G-A. GRCh37 (hg19) VCF-style: chr11-118378254-G-A.
Other names: c.10855G>A, p.Ala3619Thr (NM_001412597.1); c.10756G>A, p.Ala3586Thr (NM_005933.4); short protein forms A3586T, A3589T, A3619T.
Identifiers: ClinVar variation 4800588 (VCV004800588.1).